The following is an entry in ClinVar:

NM_001128840.3(CACNA1D):c.128C>T (p.Pro43Leu)

Gene: CACNA1D (calcium voltage-gated channel subunit alpha1 D; plus strand). Cytogenetic location: 3p21.1.
Variant type: single nucleotide variant.
Coding change: c.128C>T on transcript NM_001128840.3 (MANE Select); coding-DNA position 128, C replaced by T.
Protein change: p.Pro43Leu; replaces proline 43 with leucine.
Molecular consequence: missense variant.
Genome position (GRCh38, 1-based): chr3:53,497,212, C>T. VCF-style: chr3-53497212-C-T. GRCh37 (hg19) VCF-style: chr3-53531239-C-T.
Other names: c.128C>T, p.Pro43Leu (NM_000720.4, NM_001128839.3); c.128C>T (NM_000720.2); short protein forms P43L.
Identifiers: ClinVar variation 2977908 (VCV002977908.4), dbSNP rs758415159, ClinGen allele CA2453626.

ClinVar aggregate classification (germline): Uncertain significance. Review status: criteria provided, multiple submitters, no conflicts (2 of 4 stars). 2 submissions from 2 submitters: Uncertain significance (2). Last evaluated 2025-07-03.

Conditions:
Inborn genetic diseases. Identifiers: MedGen C0950123, MeSH D030342.

Allele frequency attached by ClinVar (database versions not stated): TOPMed 0.00001; 1000 Genomes Project 30x 0.00031.
gnomAD v4.1: 9 of 1,614,142 alleles (0.00056%); highest among the groups gnomAD compares: Admixed American, 0.0033%; no homozygotes.

Submissions (2):

Labcorp Genetics (formerly Invitae), Labcorp
Classification: Uncertain significance. Last evaluated: 2025-07-03. Review status: criteria provided, single submitter. Criteria: Invitae Variant Classification Sherloc (09022015). Collection method: clinical testing. Allele origin: germline.
Comment: This sequence change replaces proline, which is neutral and non-polar, with leucine, which is neutral and non-polar, at codon 43 of the CACNA1D protein (p.Pro43Leu). This variant is present in population databases (rs758415159, gnomAD 0.009%). This variant has not been reported in the literature in individuals affected with CACNA1D-related conditions. ClinVar contains an entry for this variant (Variation ID: 2977908). An algorithm developed to predict the effect of missense changes on protein structure and function (PolyPhen-2) suggests that this variant is likely to be tolerated. In summary, the available evidence is currently insufficient to determine the role of this variant in disease. Therefore, it has been classified as a Variant of Uncertain Significance.

Ambry Genetics
Classification: Uncertain significance for Inborn genetic diseases. Last evaluated: 2025-04-28. Review status: criteria provided, single submitter. Criteria: Ambry Variant Classification Scheme 2023. Collection method: clinical testing. Allele origin: germline.